The following is an entry in ClinVar:

ClinVar aggregate classification (germline): Conflicting classifications of pathogenicity. Review status: criteria provided, conflicting classifications (1 of 4 stars). 2 submissions from 2 submitters: Uncertain significance (1); Likely benign (1). Last evaluated 2026-08-10.

Conditions:
Hereditary pancreatitis (PCTT). Also called: Hereditary chronic pancreatitis; PRSS1-Related Hereditary Pancreatitis. Identifiers: Orphanet 676, MedGen C0238339, MONDO:0008185, OMIM 167800.

Allele frequency attached by ClinVar (database versions not stated): gnomAD exomes 0.00001 and below 0.00001; TOPMed 0.00001.

Submissions (2):

Ambry Genetics
Classification: Likely benign for Hereditary pancreatitis. Last evaluated: 2026-08-10. Review status: criteria provided, single submitter. Criteria: Ambry Variant Classification Scheme 2023. Collection method: clinical testing. Allele origin: germline.

Labcorp Genetics (formerly Invitae), Labcorp
Classification: Uncertain significance. Last evaluated: 2020-12-04. Review status: criteria provided, single submitter. Criteria: Invitae Variant Classification Sherloc (09022015). Collection method: clinical testing. Allele origin: germline.
Comment: In summary, the available evidence is currently insufficient to determine the role of this variant in disease. Therefore, it has been classified as a Variant of Uncertain Significance. This variant has not been reported in the literature in individuals with CPA1-related conditions. This variant is not present in population databases (ExAC no frequency). This sequence change creates a premature translational stop signal (p.Leu134Argfs*27) in the CPA1 gene. It is expected to result in an absent or disrupted protein product. However, the current clinical and genetic evidence is not sufficient to establish whether loss-of-function variants in CPA1 cause disease.

NM_001868.4(CPA1):c.401del (p.Leu134fs)

Gene: CPA1 (carboxypeptidase A1; plus strand). Cytogenetic location: 7q32.2.
Variant type: Deletion.
Coding change: c.401del on transcript NM_001868.4 (MANE Select); coding-DNA position 401, one base deleted (T; older notation c.401delT).
Protein change: p.Leu134fs; shifts the reading frame from leucine 134.
Molecular consequence: frameshift variant.
Genome position (GRCh38, 1-based): chr7:130,382,127, T deleted. VCF-style (leftmost placement, unchanged base first): chr7-130382126-CT-C. GRCh37 (hg19) VCF-style: chr7-130021967-CT-C.
Other names: short protein forms L134fs.
Identifiers: ClinVar variation 1392268 (VCV001392268.9), dbSNP rs1554411307, ClinGen allele CA577769097.
Genomic context (GRCh38, chr7:130,382,126, plus strand): 5'-CAGAAGCTATTAAGGCCAGTGGTCTCTTCTTTCACACCTCAGATCTATGACTTCCTGGAC[CT>C]GCTGGTGGCGGAGAACCCGCACCTTGTCAGCAAGATCCAGATTGGCAACACCTATGAAGG-3'